The following is an entry in ClinVar:

NM_001130438.3(SPTAN1):c.5891C>T (p.Ser1964Leu)

Gene: SPTAN1 (spectrin alpha, non-erythrocytic 1; plus strand). Cytogenetic location: 9q34.11.
Variant type: single nucleotide variant.
Coding change: c.5891C>T on transcript NM_001130438.3 (MANE Select); coding-DNA position 5891, C replaced by T.
Protein change: p.Ser1964Leu; replaces serine 1964 with leucine.
Molecular consequence: missense variant.
Genome position (GRCh38, 1-based): chr9:128,624,386, C>T. VCF-style: chr9-128624386-C-T. GRCh37 (hg19) VCF-style: chr9-131386665-C-T.
Other names: c.5816C>T, p.Ser1939Leu (NM_001195532.2); c.5891C>T, p.Ser1964Leu (NM_001363759.2, NM_001375310.1, NM_001375311.2 and 1 more transcripts); c.5831C>T, p.Ser1944Leu (NM_001363765.2, NM_001375314.2); c.5927C>T, p.Ser1976Leu (NM_001375312.2, NM_001375318.1); c.5876C>T, p.Ser1959Leu (NM_003127.4); short protein forms S1939L, S1944L, S1959L, S1964L, S1976L.
Identifiers: ClinVar variation 2809853 (VCV002809853.3), dbSNP rs2542143429, ClinGen allele CA375082266.

ClinVar aggregate classification (germline): Uncertain significance (1 of 4 stars; one submission).

Conditions:
Early-infantile DEE. Also called: Early infantile epileptic encephalopathy; Early infantile epileptic encephalopathy with suppression bursts; Ohtahara syndrome. Identifiers: Orphanet 1934, MedGen C0393706, MONDO:0800491.

gnomAD v4.1: 1 of 1,614,040 alleles (0.000062%); no homozygotes.

Submission:

Labcorp Genetics (formerly Invitae), Labcorp
Classification: Uncertain significance for Early-infantile DEE. Last evaluated: 2024-01-22. Review status: criteria provided, single submitter. Criteria: Invitae Variant Classification Sherloc (09022015). Collection method: clinical testing. Allele origin: germline.
Comment: This sequence change replaces serine, which is neutral and polar, with leucine, which is neutral and non-polar, at codon 1964 of the SPTAN1 protein (p.Ser1964Leu). This variant is not present in population databases (gnomAD no frequency). This variant has not been reported in the literature in individuals affected with SPTAN1-related conditions. Advanced modeling of protein sequence and biophysical properties (such as structural, functional, and spatial information, amino acid conservation, physicochemical variation, residue mobility, and thermodynamic stability) has been performed at Invitae for this missense variant, however the output from this modeling did not meet the statistical confidence thresholds required to predict the impact of this variant on SPTAN1 protein function. In summary, the available evidence is currently insufficient to determine the role of this variant in disease. Therefore, it has been classified as a Variant of Uncertain Significance.